The following is an entry in ClinVar:

ClinVar aggregate classification (germline): Uncertain significance (1 of 4 stars; one submission).

Submission:

GeneDx
Classification: Uncertain significance. Last evaluated: 2025-07-08. Review status: criteria provided, single submitter. Criteria: GeneDx Variant Classification Process June 2021. Collection method: clinical testing. Allele origin: germline. Affected: yes.
Comment: Has not been previously published as pathogenic or benign to our knowledge; Not observed at significant frequency in large population cohorts (gnomAD); In silico analysis supports a deleterious effect on splicing

NM_001098.3(ACO2):c.1954-3C>G

Genes: ACO2 (aconitase 2; plus strand), POLR3H (RNA polymerase III subunit H; minus strand). Cytogenetic location: 22q13.2.
Variant type: single nucleotide variant.
Coding change: c.1954-3C>G on transcript NM_001098.3 (MANE Select); 3 bases into the intron before coding-DNA position 1954, C replaced by G.
Molecular consequence: intron variant. On other transcripts: 3 prime UTR variant (5).
Genome position (GRCh38, 1-based): chr22:41,527,285, C>G. VCF-style: chr22-41527285-C-G. GRCh37 (hg19) VCF-style: chr22-41923289-C-G.
Other names: c.*1998G>C (NM_001018050.4, NM_001018052.4, NM_001282884.2 and 2 more transcripts).
Identifiers: ClinVar variation 4685299 (VCV004685299.1).